The following is an entry in ClinVar:

ClinVar aggregate classification (germline): Likely benign (1 of 4 stars; one submission).

Submission:

CeGaT Center for Human Genetics Tuebingen
Classification: Likely benign. Last evaluated: 2026-06-01. Review status: criteria provided, single submitter. Criteria: CeGaT Center For Human Genetics Tuebingen Variant Classification Criteria Version 2. Collection method: clinical testing. Allele origin: germline. Affected: yes. Observed: 1 variant allele.
Comment: ZBTB20: BP4, BP7

NM_001348800.3(ZBTB20):c.483C>T (p.Gly161=)

Gene: ZBTB20 (zinc finger and BTB domain containing 20; minus strand). Cytogenetic location: 3q13.31.
Variant type: single nucleotide variant.
Coding change: c.483C>T on transcript NM_001348800.3 (MANE Select); coding-DNA position 483, C replaced by T.
Protein change: p.Gly161=; no amino-acid change (glycine 161 retained).
Molecular consequence: synonymous variant.
Genome position (GRCh38, 1-based): chr3:114,351,595, G>A on the plus strand (C>T on the coding strand, the complement: ZBTB20 is on the minus strand). VCF-style: chr3-114351595-G-A. GRCh37 (hg19) VCF-style: chr3-114070442-G-A.
Other names: c.483C>T, p.Gly161= (NM_001164342.2, NM_001348803.3, NM_001393393.1 and 1 more transcripts); c.264C>T, p.Gly88= (NM_001164343.2, NM_001164344.4, NM_001164345.4 and 9 more transcripts).
Identifiers: ClinVar variation 4872308 (VCV004872308.2).